The following is an entry in ClinVar:

ClinVar aggregate classification (germline): Uncertain significance (1 of 4 stars; one submission).

Allele frequency attached by ClinVar (database versions not stated): gnomAD 0.00001; gnomAD exomes 0.00002 and 0.00004; TOPMed 0.00003; ExAC 0.00004.
gnomAD v4.1: 11 of 1,613,384 alleles (0.00068%); highest among the groups gnomAD compares: Admixed American, 0.018%; no homozygotes.

Submission:

Labcorp Genetics (formerly Invitae), Labcorp
Classification: Uncertain significance. Last evaluated: 2021-07-26. Review status: criteria provided, single submitter. Criteria: Invitae Variant Classification Sherloc (09022015). Collection method: clinical testing. Allele origin: germline.
Comment: This sequence change replaces glycine with serine at codon 216 of the MAP3K7 protein (p.Gly216Ser). The glycine residue is moderately conserved and there is a small physicochemical difference between glycine and serine. In summary, the available evidence is currently insufficient to determine the role of this variant in disease. Therefore, it has been classified as a Variant of Uncertain Significance. Algorithms developed to predict the effect of missense changes on protein structure and function are either unavailable or do not agree on the potential impact of this missense change (SIFT: "Tolerated"; PolyPhen-2: "Possibly Damaging"; Align-GVGD: "Class C0"). This variant has not been reported in the literature in individuals affected with MAP3K7-related conditions. This variant is present in population databases (rs775953358, ExAC 0.04%).

NM_145331.3(MAP3K7):c.646G>A (p.Gly216Ser)

Gene: MAP3K7 (mitogen-activated protein kinase kinase kinase 7; minus strand). Cytogenetic location: 6q15.
Variant type: single nucleotide variant.
Coding change: c.646G>A on transcript NM_145331.3 (MANE Select); coding-DNA position 646, G replaced by A.
Protein change: p.Gly216Ser; replaces glycine 216 with serine.
Molecular consequence: missense variant.
Genome position (GRCh38, 1-based): chr6:90,553,548, C>T on the plus strand (G>A on the coding strand, the complement: MAP3K7 is on the minus strand). VCF-style: chr6-90553548-C-T. GRCh37 (hg19) VCF-style: chr6-91263267-C-T.
Other names: c.646G>A, p.Gly216Ser (NM_003188.4, NM_145332.3, NM_145333.3); short protein forms G216S.
Identifiers: ClinVar variation 1409451 (VCV001409451.8), dbSNP rs775953358, ClinGen allele CA3928583.
Genomic context (GRCh38, chr6:90,553,548, plus strand): 5'-CTGGGCCACCAATCTCATCAAAGGGTTTCCGACGCGTTATCACTTCCCAAAGAATAATAC[C>T]CCAGCTGAAGACGTCACATTTTTCACTGTAATTACTACCTAGAAAAAAAAAAGGTAGTAT-3'
Protein context (NP_663304.1, residues 206-226): YSEKCDVFSW[Gly216Ser]IILWEVITRR